The following is an entry in ClinVar:

ClinVar aggregate classification (germline): Uncertain significance (1 of 4 stars; one submission).

Allele frequency attached by ClinVar (database versions not stated): gnomAD 0.00001.
gnomAD v4.1: 55 of 1,604,998 alleles (0.0034%); highest among the groups gnomAD compares: Non-Finnish European, 0.0041%; no homozygotes.

Submission:

Labcorp Genetics (formerly Invitae), Labcorp
Classification: Uncertain significance. Last evaluated: 2022-02-05. Review status: criteria provided, single submitter. Criteria: Invitae Variant Classification Sherloc (09022015). Collection method: clinical testing. Allele origin: germline.
Comment: In summary, the available evidence is currently insufficient to determine the role of this variant in disease. Therefore, it has been classified as a Variant of Uncertain Significance. Algorithms developed to predict the effect of missense changes on protein structure and function are either unavailable or do not agree on the potential impact of this missense change (SIFT: "Deleterious"; PolyPhen-2: "Possibly Damaging"; Align-GVGD: "Class C0"). This variant has not been reported in the literature in individuals affected with OBSL1-related conditions. The frequency data for this variant in the population databases is considered unreliable, as metrics indicate poor data quality at this position in the gnomAD database. This sequence change replaces arginine, which is basic and polar, with tryptophan, which is neutral and slightly polar, at codon 345 of the OBSL1 protein (p.Arg345Trp).

NM_015311.3(OBSL1):c.1033C>T (p.Arg345Trp)

Gene: OBSL1 (obscurin like cytoskeletal adaptor 1; minus strand). Cytogenetic location: 2q35.
Variant type: single nucleotide variant.
Coding change: c.1033C>T on transcript NM_015311.3 (MANE Select); coding-DNA position 1033, C replaced by T.
Protein change: p.Arg345Trp; replaces arginine 345 with tryptophan.
Molecular consequence: missense variant.
Genome position (GRCh38, 1-based): chr2:219,568,304, G>A on the plus strand (C>T on the coding strand, the complement: OBSL1 is on the minus strand). VCF-style: chr2-219568304-G-A. GRCh37 (hg19) VCF-style: chr2-220433026-G-A.
Other names: c.1033C>T, p.Arg345Trp (NM_001173408.2, NM_001173431.2); short protein forms R345W.
Identifiers: ClinVar variation 1990581 (VCV001990581.3), dbSNP rs746057787, ClinGen allele CA2131657.
Genomic context (GRCh38, chr2:219,568,304, plus strand): 5'-GTACTTTACATTCCAGCACGGCAATCCCGTGCTCACGGCCCTCCACGTCCTGCAGGGGCC[G>A]TGTGAACCGGAGGCGGGGCTCTGTGGAGAGGGGAGAGAGAGACAAGAGAGGGCTCTGGAG-3'
Protein context (NP_056126.1, residues 335-355): HVKEPRLRFT[Arg345Trp]PLQDVEGREH